The following is an entry in ClinVar:

NM_002180.3(IGHMBP2):c.52del (p.Glu18fs)

Gene: IGHMBP2 (immunoglobulin mu DNA binding protein 2; plus strand). Cytogenetic location: 11q13.3.
Variant type: Deletion.
Coding change: c.52del on transcript NM_002180.3 (MANE Select); coding-DNA position 52, one base deleted (G; older notation c.52delG).
Protein change: p.Glu18fs; shifts the reading frame from glutamic acid 18.
Molecular consequence: frameshift variant.
Genome position (GRCh38, 1-based): chr11:68,904,004, G deleted; the last of 2 consecutive G bases (chr11:68,904,003-68,904,004); deleting either gives the same sequence. VCF-style (leftmost placement, unchanged base first): chr11-68904002-TG-T. GRCh37 (hg19) VCF-style: chr11-68671470-TG-T.
Other names: short protein forms E18fs.
Identifiers: ClinVar variation 3759472 (VCV003759472.2).

ClinVar aggregate classification (germline): Pathogenic (1 of 4 stars; one submission).

Conditions:
Charcot-Marie-Tooth disease axonal type 2S. Also called: CHARCOT-MARIE-TOOTH DISEASE, AXONAL, AUTOSOMAL RECESSIVE, TYPE 2S; CHARCOT-MARIE-TOOTH NEUROPATHY, TYPE 2S. Identifiers: Orphanet 443073, MedGen C4015349, MONDO:0014511, OMIM 616155.
Autosomal recessive distal spinal muscular atrophy 1. Also called: HMN VI; NEURONOPATHY, SEVERE INFANTILE AXONAL, WITH RESPIRATORY FAILURE; SEVERE INFANTILE AXONAL NEUROPATHY WITH RESPIRATORY FAILURE; SPINAL MUSCULAR ATROPHY, DIAPHRAGMATIC; Spinal muscular atrophy with respiratory distress 1; NEURONOPATHY, DISTAL HEREDITARY MOTOR, HARDING TYPE VI. Identifiers: Orphanet 98920, MedGen C1858517, MONDO:0011436, OMIM 604320.

Submission:

Labcorp Genetics (formerly Invitae), Labcorp
Classification: Pathogenic for Autosomal recessive distal spinal muscular atrophy 1; Charcot-Marie-Tooth disease axonal type 2S. Last evaluated: 2024-10-15. Review status: criteria provided, single submitter. Criteria: Invitae Variant Classification Sherloc (09022015). Collection method: clinical testing. Allele origin: germline.
Comment: This sequence change creates a premature translational stop signal (p.Glu18Serfs*20) in the IGHMBP2 gene. It is expected to result in an absent or disrupted protein product. Loss-of-function variants in IGHMBP2 are known to be pathogenic (PMID: 14681881, 25439726, 25568292). This variant is not present in population databases (gnomAD no frequency). This variant has not been reported in the literature in individuals affected with IGHMBP2-related conditions. For these reasons, this variant has been classified as Pathogenic.

Literature cited by the submitters: PubMed 14681881; PubMed 25439726; PubMed 25568292.